The following is an entry in ClinVar:

ClinVar aggregate classification (germline): Uncertain significance (1 of 4 stars; one submission).

Conditions:
Glomerulopathy with fibronectin deposits 2 (GFND2). Identifiers: Orphanet 84090, MedGen C1866075, MONDO:0011165, OMIM 601894.
Spondylometaphyseal dysplasia - Sutcliffe type. Also called: Spondylometaphyseal dysplasia, 'corner fracture' type; Sutcliffe type of spondylometaphyseal dysplasia; Sutcliffe SMD; Spondylometaphyseal Dysplasia, Corner Fracture Type. Identifiers: Orphanet 93315, MedGen C0432221, MONDO:0008479, OMIM 184255.

gnomAD v4.1: 1 of 1,614,022 alleles (0.000062%); no homozygotes.

Submission:

Juno Genomics, Hangzhou Juno Genomics, Inc
Classification: Uncertain significance for Glomerulopathy with fibronectin deposits 2; Spondylometaphyseal dysplasia - Sutcliffe type. Review status: criteria provided, single submitter. Criteria: ACMG Guidelines, 2015. Collection method: clinical testing. Allele origin: germline.
Comment: Absent from controls (or at extremely low frequency if recessive) in Genome Aggregation Database.;Missense variant in a gene that has a low rate of benign missense variation.

NM_212482.4(FN1):c.7084G>A (p.Gly2362Ser)

Genes: ATIC (5-aminoimidazole-4-carboxamide ribonucleotide formyltransferase/IMP cyclohydrolase; plus strand), FN1 (fibronectin 1; minus strand). Cytogenetic location: 2q35.
Variant type: single nucleotide variant.
Coding change: c.7084G>A on transcript NM_212482.4 (MANE Select); coding-DNA position 7084, G replaced by A.
Protein change: p.Gly2362Ser; replaces glycine 2362 with serine.
Molecular consequence: missense variant.
Genome position (GRCh38, 1-based): chr2:215,365,565, C>T on the plus strand (G>A on the coding strand, the complement: FN1 is on the minus strand). VCF-style: chr2-215365565-C-T. GRCh37 (hg19) VCF-style: chr2-216230288-C-T.
Other names: c.6991G>A, p.Gly2331Ser (NM_001306129.2); c.6454G>A, p.Gly2152Ser (NM_001306130.2); c.6448G>A, p.Gly2150Ser (NM_001306131.2); c.6373G>A, p.Gly2125Ser (NM_001306132.2); c.6814G>A, p.Gly2272Ser (NM_001365517.2); c.6811G>A, p.Gly2271Ser (NM_001365518.2); c.6739G>A, p.Gly2247Ser (NM_001365519.2); c.6736G>A, p.Gly2246Ser (NM_001365520.2); and 8 more; short protein forms G2061S, G2125S, G2150S, G2151S, G2152S, G2156S, G2181S, G2215S.
Identifiers: ClinVar variation 5019235 (VCV005019235.2).